The following is an entry in ClinVar:

ClinVar aggregate classification (germline): Uncertain significance (1 of 4 stars; one submission).

Conditions:
Familial cancer of breast. Also called: BREAST CANCER, FAMILIAL; hereditary breast carcinoma; Hereditary breast cancer. Identifiers: Orphanet 227535, MedGen C0346153, MONDO:0016419, OMIM 114480. Disease mechanism: loss of function.
Fanconi anemia complementation group J. Also called: BRIP1-Related Fanconi Anemia. Identifiers: Orphanet 84, MedGen C1836860, MONDO:0012187, OMIM 609054.

Submission:

Labcorp Genetics (formerly Invitae), Labcorp
Classification: Uncertain significance for Familial cancer of breast; Fanconi anemia complementation group J. Last evaluated: 2024-06-04. Review status: criteria provided, single submitter. Criteria: Invitae Variant Classification Sherloc (09022015). Collection method: clinical testing. Allele origin: germline.
Comment: This sequence change replaces arginine, which is basic and polar, with glycine, which is neutral and non-polar, at codon 831 of the BRIP1 protein (p.Arg831Gly). This variant is not present in population databases (gnomAD no frequency). This variant has not been reported in the literature in individuals affected with BRIP1-related conditions. ClinVar contains an entry for this variant (Variation ID: 1389410). An algorithm developed to predict the effect of missense changes on protein structure and function (PolyPhen-2) suggests that this variant is likely to be disruptive. In summary, the available evidence is currently insufficient to determine the role of this variant in disease. Therefore, it has been classified as a Variant of Uncertain Significance.

NM_032043.3(BRIP1):c.2491A>G (p.Arg831Gly)

Gene: BRIP1 (BRCA1 interacting DNA helicase 1; minus strand). Cytogenetic location: 17q23.2.
Variant type: single nucleotide variant.
Coding change: c.2491A>G on transcript NM_032043.3 (MANE Select); coding-DNA position 2491, A replaced by G.
Protein change: p.Arg831Gly; replaces arginine 831 with glycine.
Molecular consequence: missense variant.
Genome position (GRCh38, 1-based): chr17:61,715,952, T>C on the plus strand (A>G on the coding strand, the complement: BRIP1 is on the minus strand). VCF-style: chr17-61715952-T-C. GRCh37 (hg19) VCF-style: chr17-59793313-T-C.
Other names: short protein forms R831G.
Identifiers: ClinVar variation 1389410 (VCV001389410.7), dbSNP rs2144378901, ClinGen allele CA400479384.